The following is an entry in ClinVar:

NM_032229.3(SLITRK6):c.1250A>G (p.Tyr417Cys)

Gene: SLITRK6 (SLIT and NTRK like family member 6; minus strand). Cytogenetic location: 13q31.1.
Variant type: single nucleotide variant.
Coding change: c.1250A>G on transcript NM_032229.3 (MANE Select); coding-DNA position 1250, A replaced by G.
Protein change: p.Tyr417Cys; replaces tyrosine 417 with cysteine.
Molecular consequence: missense variant.
Genome position (GRCh38, 1-based): chr13:85,795,259, T>C on the plus strand (A>G on the coding strand, the complement: SLITRK6 is on the minus strand). VCF-style: chr13-85795259-T-C. GRCh37 (hg19) VCF-style: chr13-86369394-T-C.
Other names: short protein forms Y417C.
Identifiers: ClinVar variation 2996795 (VCV002996795.3), dbSNP rs754860297, ClinGen allele CA7015130.

ClinVar aggregate classification (germline): Uncertain significance (1 of 4 stars; one submission).

Allele frequency attached by ClinVar (database versions not stated): gnomAD 0.00001; gnomAD exomes 0.00001; ExAC 0.00002.

Submission:

Labcorp Genetics (formerly Invitae), Labcorp
Classification: Uncertain significance. Last evaluated: 2023-02-09. Review status: criteria provided, single submitter. Criteria: Invitae Variant Classification Sherloc (09022015). Collection method: clinical testing. Allele origin: germline.
Comment: This variant is present in population databases (rs754860297, gnomAD 0.002%). This variant has not been reported in the literature in individuals affected with SLITRK6-related conditions. Algorithms developed to predict the effect of missense changes on protein structure and function are either unavailable or do not agree on the potential impact of this missense change (SIFT: "Deleterious"; PolyPhen-2: "Probably Damaging"; Align-GVGD: "Class C0"). In summary, the available evidence is currently insufficient to determine the role of this variant in disease. Therefore, it has been classified as a Variant of Uncertain Significance. This sequence change replaces tyrosine, which is neutral and polar, with cysteine, which is neutral and slightly polar, at codon 417 of the SLITRK6 protein (p.Tyr417Cys).